The following is an entry in ClinVar:

ClinVar aggregate classification (germline): Uncertain significance (1 of 4 stars; one submission).

gnomAD v4.1: 7 of 1,613,688 alleles (0.00043%); highest among the groups gnomAD compares: East Asian, 0.0045%; no homozygotes.

Submission:

Labcorp Genetics (formerly Invitae), Labcorp
Classification: Uncertain significance. Last evaluated: 2024-09-16. Review status: criteria provided, single submitter. Criteria: Invitae Variant Classification Sherloc (09022015). Collection method: clinical testing. Allele origin: germline.
Comment: This sequence change replaces arginine, which is basic and polar, with cysteine, which is neutral and slightly polar, at codon 603 of the REPS1 protein (p.Arg603Cys). This variant is present in population databases (rs767640135, gnomAD 0.006%). This variant has not been reported in the literature in individuals affected with REPS1-related conditions. Invitae Evidence Modeling of protein sequence and biophysical properties (such as structural, functional, and spatial information, amino acid conservation, physicochemical variation, residue mobility, and thermodynamic stability) indicates that this missense variant is not expected to disrupt REPS1 protein function with a negative predictive value of 80%. In summary, the available evidence is currently insufficient to determine the role of this variant in disease. Therefore, it has been classified as a Variant of Uncertain Significance.

NM_001286611.2(REPS1):c.1807C>T (p.Arg603Cys)

Gene: REPS1 (RALBP1 associated Eps domain containing 1; minus strand). Cytogenetic location: 6q24.1.
Variant type: single nucleotide variant.
Coding change: c.1807C>T on transcript NM_001286611.2 (MANE Select); coding-DNA position 1807, C replaced by T.
Protein change: p.Arg603Cys; replaces arginine 603 with cysteine.
Molecular consequence: missense variant.
Genome position (GRCh38, 1-based): chr6:138,912,929, G>A on the plus strand (C>T on the coding strand, the complement: REPS1 is on the minus strand). VCF-style: chr6-138912929-G-A. GRCh37 (hg19) VCF-style: chr6-139234066-G-A.
Other names: c.1726C>T, p.Arg576Cys (NM_001128617.3); c.1534C>T, p.Arg512Cys (NM_001286612.2); c.1804C>T, p.Arg602Cys (NM_031922.5); short protein forms R512C, R602C, R576C, R603C.
Identifiers: ClinVar variation 3673692 (VCV003673692.2).